The following is an entry in ClinVar:

NM_152564.5(VPS13B):c.10993G>A (p.Val3665Met)

Gene: VPS13B (vacuolar protein sorting 13 homolog B; plus strand). Cytogenetic location: 8q22.2.
Variant type: single nucleotide variant.
Coding change: c.10993G>A on transcript NM_152564.5 (MANE Select); coding-DNA position 10993, G replaced by A.
Protein change: p.Val3665Met; replaces valine 3665 with methionine.
Molecular consequence: missense variant.
Genome position (GRCh38, 1-based): chr8:99,859,429, G>A. VCF-style: chr8-99859429-G-A. GRCh37 (hg19) VCF-style: chr8-100871657-G-A.
Other names: c.11068G>A, p.Val3690Met (NM_017890.5); short protein forms V3665M, V3690M.
Identifiers: ClinVar variation 3353131 (VCV003353131.15).

ClinVar aggregate classification (germline): Uncertain significance. Review status: criteria provided, multiple submitters, no conflicts (2 of 4 stars). 3 submissions from 3 submitters: Uncertain significance (2). 1 of the submissions does not count toward it. Last evaluated 2024-12-01.

Conditions:
VPS13B-related disorder. Also called: VPS13B-related condition.

gnomAD v4.1: 20 of 1,614,084 alleles (0.0012%); highest among the groups gnomAD compares: African/African-American, 0.013%; no homozygotes.

Submissions (3):

CeGaT Center for Human Genetics Tuebingen
Classification: Uncertain significance. Last evaluated: 2024-12-01. Review status: criteria provided, single submitter. Criteria: CeGaT Center For Human Genetics Tuebingen Variant Classification Criteria Version 2. Collection method: clinical testing. Allele origin: germline. Affected: yes. Observed: 1 variant allele.
Comment: VPS13B: PM2

Blueprint Genetics
Classification: Uncertain significance. Last evaluated: 2024-10-21. Review status: criteria provided, single submitter. Criteria: ACMG Guidelines, 2015. Collection method: clinical testing. Allele origin: germline.

PreventionGenetics, part of Exact Sciences
Classification: Uncertain significance for VPS13B-related condition. Last evaluated: 2024-08-28. Review status: no assertion criteria provided. Collection method: clinical testing. Allele origin: germline. Not counted in ClinVar's aggregate classification.
Comment: The VPS13B c.10993G>A variant is predicted to result in the amino acid substitution p.Val3665Met. To our knowledge, this variant has not been reported in the literature. This variant is reported in 0.016% of alleles in individuals of African descent in gnomAD. At this time, the clinical significance of this variant is uncertain due to the absence of conclusive functional and genetic evidence.